The following is an entry in ClinVar:

NM_020297.4(ABCC9):c.1783G>T (p.Ala595Ser)

Gene: ABCC9 (ATP binding cassette subfamily C member 9; minus strand). Cytogenetic location: 12p12.1.
Variant type: single nucleotide variant.
Coding change: c.1783G>T on transcript NM_020297.4 (MANE Select); coding-DNA position 1783, G replaced by T.
Protein change: p.Ala595Ser; replaces alanine 595 with serine.
Molecular consequence: missense variant.
Genome position (GRCh38, 1-based): chr12:21,894,051, C>A on the plus strand (G>T on the coding strand, the complement: ABCC9 is on the minus strand). VCF-style: chr12-21894051-C-A. GRCh37 (hg19) VCF-style: chr12-22046985-C-A.
Other names: c.1783G>T, p.Ala595Ser (NM_001377273.1, NM_005691.4); c.919G>T, p.Ala307Ser (NM_001377274.1); short protein forms A307S, A595S.
Identifiers: ClinVar variation 3573859 (VCV003573859.2).

ClinVar aggregate classification (germline): Uncertain significance. Review status: criteria provided, multiple submitters, no conflicts (2 of 4 stars). 2 submissions from 2 submitters: Uncertain significance (2). Last evaluated 2025-04-17.

Conditions:
Dilated cardiomyopathy 1O (CMD1O). Also called: CARDIOMYOPATHY, DILATED, WITH VENTRICULAR TACHYCARDIA. Identifiers: Orphanet 154, MedGen C1837839, MONDO:0012062, OMIM 608569.

gnomAD v4.1: 2 of 1,613,916 alleles (0.00012%); highest among the groups gnomAD compares: Non-Finnish European, 0.00017%; no homozygotes.

Submissions (2):

Labcorp Genetics (formerly Invitae), Labcorp
Classification: Uncertain significance for Dilated cardiomyopathy 1O. Last evaluated: 2025-04-17. Review status: criteria provided, single submitter. Criteria: Invitae Variant Classification Sherloc (09022015). Collection method: clinical testing. Allele origin: germline.
Comment: This sequence change replaces alanine, which is neutral and non-polar, with serine, which is neutral and polar, at codon 595 of the ABCC9 protein (p.Ala595Ser). This variant is not present in population databases (gnomAD no frequency). This variant has not been reported in the literature in individuals affected with ABCC9-related conditions. ClinVar contains an entry for this variant (Variation ID: 3573859). Invitae Evidence Modeling of protein sequence and biophysical properties (such as structural, functional, and spatial information, amino acid conservation, physicochemical variation, residue mobility, and thermodynamic stability) indicates that this missense variant is not expected to disrupt ABCC9 protein function with a negative predictive value of 80%. In summary, the available evidence is currently insufficient to determine the role of this variant in disease. Therefore, it has been classified as a Variant of Uncertain Significance.

GeneDx
Classification: Uncertain significance. Last evaluated: 2024-07-19. Review status: criteria provided, single submitter. Criteria: GeneDx Variant Classification Process June 2021. Collection method: clinical testing. Allele origin: germline. Affected: yes.
Comment: Has not been previously published as pathogenic or benign to our knowledge; Not observed at significant frequency in large population cohorts (gnomAD); In silico analysis indicates that this missense variant does not alter protein structure/function